The following is an entry in ClinVar:

ClinVar aggregate classification (germline): Uncertain significance. Review status: criteria provided, multiple submitters, no conflicts (2 of 4 stars). 3 submissions from 3 submitters: Uncertain significance (3). Last evaluated 2024-06-08.

Conditions:
Cardiovascular phenotype. Identifiers: MedGen CN230736.
Hereditary cancer-predisposing syndrome. Also called: Tumor predisposition; Neoplastic Syndromes, Hereditary; Hereditary Cancer Syndrome; Hereditary neoplastic syndrome. Identifiers: Orphanet 140162, MedGen C0027672, MeSH D009386, MONDO:0015356.
Neurofibromatosis, type 1 (NF1). Also called: NEUROFIBROMATOSIS, TYPE I, SOMATIC; VON RECKLINGHAUSEN DISEASE; Neurofibromatosis, type I; Peripheral type neurofibromatosis. Identifiers: Orphanet 636, MedGen C0027831, MONDO:0018975, OMIM 162200. Disease mechanism: loss of function.

Allele frequency attached by ClinVar (database versions not stated): gnomAD exomes below 0.00001.
gnomAD v4.1: 5 of 1,612,724 alleles (0.00031%); highest among the groups gnomAD compares: Non-Finnish European, 0.00042%; no homozygotes.

Submissions (3):

Labcorp Genetics (formerly Invitae), Labcorp
Classification: Uncertain significance for Neurofibromatosis, type 1. Last evaluated: 2024-06-08. Review status: criteria provided, single submitter. Criteria: Invitae Variant Classification Sherloc (09022015). Collection method: clinical testing. Allele origin: germline.
Comment: This sequence change falls in intron 42 of the NF1 gene. It does not directly change the encoded amino acid sequence of the NF1 protein. It affects a nucleotide within the consensus splice site. This variant is not present in population databases (gnomAD no frequency). This variant has not been reported in the literature in individuals affected with NF1-related conditions. ClinVar contains an entry for this variant (Variation ID: 485961). Variants that disrupt the consensus splice site are a relatively common cause of aberrant splicing (PMID: 17576681, 9536098). Algorithms developed to predict the effect of sequence changes on RNA splicing suggest that this variant may disrupt the consensus splice site. In summary, the available evidence is currently insufficient to determine the role of this variant in disease. Therefore, it has been classified as a Variant of Uncertain Significance.

Ambry Genetics
Classification: Uncertain significance for Cardiovascular phenotype; Hereditary cancer-predisposing syndrome. Last evaluated: 2024-01-19. Review status: criteria provided, single submitter. Criteria: Ambry Variant Classification Scheme 2023. Collection method: clinical testing. Allele origin: germline.
Comment: The c.6579+3A>G intronic variant results from an A to G substitution 3 nucleotides after coding exon 42 in the NF1 gene. This nucleotide position is highly conserved in available vertebrate species. In silico splice site analysis predicts that this alteration will weaken the native splice donor site and may result in the creation or strengthening of a novel splice donor site; however, direct evidence is insufficient at this time (Ambry internal data). Based on the available evidence, the clinical significance of this alteration remains unclear.

Genome-Nilou Lab
Classification: Uncertain significance for Neurofibromatosis, type 1. Last evaluated: 2022-03-15. Review status: criteria provided, single submitter. Criteria: ACMG Guidelines, 2015. Collection method: clinical testing. Allele origin: germline. Affected: no.

Literature cited by the submitters: PubMed 17576681 (cited by Labcorp Genetics (formerly Invitae), Labcorp); PubMed 9536098 (cited by Labcorp Genetics (formerly Invitae), Labcorp).

NM_001042492.3(NF1):c.6642+3A>G

Gene: NF1 (neurofibromin 1; plus strand). Cytogenetic location: 17q11.2.
Variant type: single nucleotide variant.
Coding change: c.6642+3A>G on transcript NM_001042492.3 (MANE Select); 3 bases into the intron after coding-DNA position 6642, A replaced by G.
Molecular consequence: intron variant.
Genome position (GRCh38, 1-based): chr17:31,337,585, A>G. VCF-style: chr17-31337585-A-G. GRCh37 (hg19) VCF-style: chr17-29664603-A-G.
Other names: c.6579+3A>G (NM_000267.4).
Identifiers: ClinVar variation 485961 (VCV000485961.13), dbSNP rs1555534891, ClinGen allele CA658658565.